The following is an entry in ClinVar:

NM_000069.3(CACNA1S):c.3053+13T>C

Gene: CACNA1S (calcium voltage-gated channel subunit alpha1 S; minus strand). Cytogenetic location: 1q32.1.
Variant type: single nucleotide variant.
Coding change: c.3053+13T>C on transcript NM_000069.3 (MANE Select); 13 bases into the intron after coding-DNA position 3053, T replaced by C.
Molecular consequence: intron variant.
Genome position (GRCh38, 1-based): chr1:201,061,931, A>G on the plus strand (T>C on the coding strand, the complement: CACNA1S is on the minus strand). VCF-style: chr1-201061931-A-G. GRCh37 (hg19) VCF-style: chr1-201031059-A-G.
Identifiers: ClinVar variation 254824 (VCV000254824.23), dbSNP rs41267501, ClinGen allele CA079501.
Genomic context (GRCh38, chr1:201,061,931, plus strand): 5'-CAGAAGGGCAGGCTGGCTGCCTGGTCCTACCTGACCATGTCCATGAGGGACCTAGGCCCC[A>G]GCCATCACTCACTGAGGCCATCCCTCGAAGGTGGAGACCGTGAAGAGGGACATCATGGCT-3'

ClinVar aggregate classification (germline): Benign. Review status: criteria provided, multiple submitters, no conflicts (2 of 4 stars). 13 submissions from 10 submitters: Benign (10). 3 of the submissions do not count toward it. Last evaluated 2026-02-03.

Conditions:
Malignant hyperthermia, susceptibility to, 5 (MHS5). Also called: CACNA1S-Related Malignant Hyperthermia Susceptibility. Identifiers: Orphanet 423, MedGen C1866077, MONDO:0011163, OMIM 601887.
Hypokalemic periodic paralysis, type 1. Also called: HypoPP; Hypokalemic Periodic Paralysis Type 1 (AD). Identifiers: Orphanet 681, MedGen C3714580, MONDO:0042979, OMIM 170400.
Congenital myopathy 18. Also called: DIHYDROPYRIDINE RECEPTOR CONGENITAL MYOPATHY; DHPR CONGENITAL MYOPATHY; Myopathy, congenital, due to dihydropyridine receptor defect. Identifiers: MedGen C5830283, MONDO:0859514, OMIM 620246.
Thyrotoxic periodic paralysis, susceptibility to, 1 (TTPP1). Identifiers: Orphanet 79102, MedGen C2749982, MONDO:0008570, OMIM 188580.

Allele frequency attached by ClinVar (database versions not stated): 1000 Genomes Project 30x 0.01124; 1000 Genomes Project 0.01158; TOPMed 0.01173; gnomAD 0.01237 and 0.01317; ESP Exome Variant Server 0.01445; gnomAD exomes 0.01698 and 0.01784; ExAC 0.01795.
gnomAD v4.1: 26,874 of 1,614,082 alleles (1.7%); highest among the groups gnomAD compares: Middle Eastern, 4.1%; 297 homozygotes.

Submissions (13):

Labcorp Genetics (formerly Invitae), Labcorp
Classification: Benign for Hypokalemic periodic paralysis, type 1; Malignant hyperthermia, susceptibility to, 5. Last evaluated: 2026-02-03. Review status: criteria provided, single submitter. Criteria: Invitae Variant Classification Sherloc (09022015). Collection method: clinical testing. Allele origin: germline.

ARUP Laboratories, Molecular Genetics and Genomics, ARUP Laboratories
Classification: Benign. Last evaluated: 2024-11-06. Review status: criteria provided, single submitter. Criteria: ARUP Molecular Germline Variant Investigation Process 2024. Collection method: clinical testing. Allele origin: germline.

Genome-Nilou Lab
Classification: Benign for Malignant hyperthermia, susceptibility to, 5. Last evaluated: 2023-04-11. Review status: criteria provided, single submitter. Criteria: ACMG Guidelines, 2015. Collection method: clinical testing. Allele origin: germline. Affected: no.

Genome-Nilou Lab
Classification: Benign for Thyrotoxic periodic paralysis, susceptibility to, 1. Last evaluated: 2023-04-11. Review status: criteria provided, single submitter. Criteria: ACMG Guidelines, 2015. Collection method: clinical testing. Allele origin: germline. Affected: no.

Genome-Nilou Lab
Classification: Benign for Congenital myopathy 18. Last evaluated: 2023-04-11. Review status: criteria provided, single submitter. Criteria: ACMG Guidelines, 2015. Collection method: clinical testing. Allele origin: germline. Affected: no.

Genome-Nilou Lab
Classification: Benign for Hypokalemic periodic paralysis, type 1. Last evaluated: 2023-04-11. Review status: criteria provided, single submitter. Criteria: ACMG Guidelines, 2015. Collection method: clinical testing. Allele origin: germline. Affected: no.

Illumina Laboratory Services, Illumina
Classification: Benign for Hypokalemic periodic paralysis, type 1. Last evaluated: 2018-01-12. Review status: criteria provided, single submitter. Criteria: ICSL Variant Classification Criteria 13 December 2019. Collection method: clinical testing. Allele origin: germline.
Comment: This variant was observed in the ICSL laboratory as part of a predisposition screen in an ostensibly healthy population. It had not been previously curated by ICSL or reported in the Human Gene Mutation Database (HGMD: prior to June 1st, 2018), and was therefore a candidate for classification through an automated scoring system. Utilizing variant allele frequency, disease prevalence and penetrance estimates, and inheritance mode, an automated score was calculated to assess if this variant is too frequent to cause the disease. Based on the score and internal cut-off values, a variant classified as benign is not then subjected to further curation. The score for this variant resulted in a classification of benign for this disease.

GeneDx
Classification: Benign. Last evaluated: 2016-01-13. Review status: criteria provided, single submitter. Criteria: GeneDx Variant Classification (06012015). Collection method: clinical testing. Allele origin: germline. Affected: yes.
Comment: This variant is considered likely benign or benign based on one or more of the following criteria: it is a conservative change, it occurs at a poorly conserved position in the protein, it is predicted to be benign by multiple in silico algorithms, and/or has population frequency not consistent with disease.

Breakthrough Genomics
Classification: Benign. Review status: criteria provided, single submitter. Criteria: ACMG Guidelines, 2015. Collection method: not provided. Allele origin: germline. Inheritance: Autosomal dominant inheritance. Affected: yes.

PreventionGenetics, part of Exact Sciences
Classification: Benign. Review status: criteria provided, single submitter. Criteria: ACMG Guidelines, 2015. Collection method: clinical testing. Allele origin: germline.

Genome Diagnostics Laboratory, University Medical Center Utrecht
Classification: Benign. Review status: no assertion criteria provided. Collection method: clinical testing. Allele origin: germline. Affected: yes. Study: VKGL Data-share Consensus. Not counted in ClinVar's aggregate classification.

Joint Genome Diagnostic Labs from Nijmegen and Maastricht, Radboudumc and MUMC+
Classification: Benign. Review status: no assertion criteria provided. Collection method: clinical testing. Allele origin: germline. Affected: yes. Study: VKGL Data-share Consensus. Not counted in ClinVar's aggregate classification.

Laboratory of Diagnostic Genome Analysis, Leiden University Medical Center (LUMC)
Classification: Benign. Review status: no assertion criteria provided. Collection method: clinical testing. Allele origin: germline. Affected: yes. Study: VKGL Data-share Consensus. Not counted in ClinVar's aggregate classification.